The following is an entry in ClinVar:

ClinVar aggregate classification (germline): Uncertain significance (1 of 4 stars; one submission).

Submission:

Labcorp Genetics (formerly Invitae), Labcorp
Classification: Uncertain significance. Last evaluated: 2024-02-24. Review status: criteria provided, single submitter. Criteria: Invitae Variant Classification Sherloc (09022015). Collection method: clinical testing. Allele origin: germline.
Comment: This sequence change replaces leucine, which is neutral and non-polar, with arginine, which is basic and polar, at codon 4832 of the USH2A protein (p.Leu4832Arg). This variant is not present in population databases (gnomAD no frequency). This variant has not been reported in the literature in individuals affected with USH2A-related conditions. ClinVar contains an entry for this variant (Variation ID: 1385592). Advanced modeling of protein sequence and biophysical properties (such as structural, functional, and spatial information, amino acid conservation, physicochemical variation, residue mobility, and thermodynamic stability) performed at Invitae indicates that this missense variant is not expected to disrupt USH2A protein function with a negative predictive value of 95%. In summary, the available evidence is currently insufficient to determine the role of this variant in disease. Therefore, it has been classified as a Variant of Uncertain Significance.

NM_206933.4(USH2A):c.14495T>G (p.Leu4832Arg)

Gene: USH2A (usherin; minus strand). Cytogenetic location: 1q41.
Variant type: single nucleotide variant.
Coding change: c.14495T>G on transcript NM_206933.4 (MANE Select); coding-DNA position 14495, T replaced by G.
Protein change: p.Leu4832Arg; replaces leucine 4832 with arginine.
Molecular consequence: missense variant.
Genome position (GRCh38, 1-based): chr1:215,648,615, A>C on the plus strand (T>G on the coding strand, the complement: USH2A is on the minus strand). VCF-style: chr1-215648615-A-C. GRCh37 (hg19) VCF-style: chr1-215821957-A-C.
Other names: short protein forms L4832R.
Identifiers: ClinVar variation 1385592 (VCV001385592.5), dbSNP rs756183521, ClinGen allele CA344833499.